The following is an entry in ClinVar:

NM_001283009.2(RTEL1):c.562G>A (p.Ala188Thr)

Genes: RTEL1 (regulator of telomere elongation helicase 1; plus strand), RTEL1-TNFRSF6B (RTEL1-TNFRSF6B readthrough (NMD candidate); plus strand). Cytogenetic location: 20q13.33.
Variant type: single nucleotide variant.
Coding change: c.562G>A on transcript NM_001283009.2 (MANE Select); coding-DNA position 562, G replaced by A.
Protein change: p.Ala188Thr; replaces alanine 188 with threonine.
Molecular consequence: missense variant. On other transcripts: non-coding transcript variant (1), 5 prime UTR variant (1).
Genome position (GRCh38, 1-based): chr20:63,666,027, G>A. VCF-style: chr20-63666027-G-A. GRCh37 (hg19) VCF-style: chr20-62297380-G-A.
Other names: c.-108G>A (NM_001283010.1); c.562G>A, p.Ala188Thr (NM_016434.4); c.634G>A, p.Ala212Thr (NM_032957.5); short protein forms A188T, A212T.
Identifiers: ClinVar variation 1895494 (VCV001895494.6), dbSNP rs2517009822, ClinGen allele CA409670479.

ClinVar aggregate classification (germline): Uncertain significance. Review status: criteria provided, multiple submitters, no conflicts (2 of 4 stars). 2 submissions from 2 submitters: Uncertain significance (2). Last evaluated 2025-05-31.

Conditions:
Dyskeratosis congenita, autosomal recessive 5 (DKCB5). Identifiers: MedGen C3554656, MONDO:0014076, OMIM 615190.
Pulmonary fibrosis and/or bone marrow failure, Telomere-related, 3. Also called: PULMONARY FIBROSIS AND/OR BONE MARROW FAILURE SYNDROME, TELOMERE-RELATED, 3. Identifiers: Orphanet 2032, MedGen C4225346, MONDO:0014613, OMIM 616373.
Inborn genetic diseases. Identifiers: MedGen C0950123, MeSH D030342.

gnomAD v4.1: 4 of 1,614,040 alleles (0.00025%); highest among the groups gnomAD compares: Non-Finnish European, 0.00034%; no homozygotes.

Submissions (2):

Ambry Genetics
Classification: Uncertain significance for Inborn genetic diseases. Last evaluated: 2025-05-31. Review status: criteria provided, single submitter. Criteria: Ambry Variant Classification Scheme 2023. Collection method: clinical testing. Allele origin: germline.
Comment: The p.A188T variant (also known as c.562G>A), located in coding exon 6 of the RTEL1 gene, results from a G to A substitution at nucleotide position 562. The alanine at codon 188 is replaced by threonine, an amino acid with similar properties. This amino acid position is conserved. In addition, this alteration is predicted to be tolerated by in silico analysis. Based on the available evidence, the clinical significance of this variant remains unclear.

Labcorp Genetics (formerly Invitae), Labcorp
Classification: Uncertain significance for Dyskeratosis congenita, autosomal recessive 5; Pulmonary fibrosis and/or bone marrow failure, Telomere-related, 3. Last evaluated: 2022-04-30. Review status: criteria provided, single submitter. Criteria: Invitae Variant Classification Sherloc (09022015). Collection method: clinical testing. Allele origin: germline.
Comment: This variant is not present in population databases (gnomAD no frequency). This sequence change replaces alanine, which is neutral and non-polar, with threonine, which is neutral and polar, at codon 188 of the RTEL1 protein (p.Ala188Thr). In summary, the available evidence is currently insufficient to determine the role of this variant in disease. Therefore, it has been classified as a Variant of Uncertain Significance. Algorithms developed to predict the effect of missense changes on protein structure and function output the following: SIFT: "Tolerated"; PolyPhen-2: "Benign"; Align-GVGD: "Class C0". The threonine amino acid residue is found in multiple mammalian species, which suggests that this missense change does not adversely affect protein function. This variant has not been reported in the literature in individuals affected with RTEL1-related conditions.